The following is an entry in ClinVar:

NM_006767.4(LZTR1):c.401-11T>A

Gene: LZTR1 (leucine zipper like post translational regulator 1; plus strand). Cytogenetic location: 22q11.21.
Variant type: single nucleotide variant.
Coding change: c.401-11T>A on transcript NM_006767.4 (MANE Select); 11 bases into the intron before coding-DNA position 401, T replaced by A.
Molecular consequence: intron variant.
Genome position (GRCh38, 1-based): chr22:20,987,999, T>A. VCF-style: chr22-20987999-T-A. GRCh37 (hg19) VCF-style: chr22-21342288-T-A.
Identifiers: ClinVar variation 3677174 (VCV003677174.2).
Genomic context (GRCh38, chr22:20,987,999, plus strand): 5'-TCCACCTTCCAGGGTTTGAAATCTCCAAGACTGCCCTTTGGGTTTGACAGTTTCTCACTC[T>A]CTTTACTCAGGGGGTTACACTGGGGACATTTATTCCAATTCTAACTTGAAGAATAAAAAC-3'

ClinVar aggregate classification (germline): Uncertain significance (1 of 4 stars; one submission).

Submission:

Labcorp Genetics (formerly Invitae), Labcorp
Classification: Uncertain significance. Last evaluated: 2024-07-23. Review status: criteria provided, single submitter. Criteria: Invitae Variant Classification Sherloc (09022015). Collection method: clinical testing. Allele origin: germline.
Comment: This sequence change falls in intron 4 of the LZTR1 gene. It does not directly change the encoded amino acid sequence of the LZTR1 protein. This variant is not present in population databases (gnomAD no frequency). This variant has not been reported in the literature in individuals affected with LZTR1-related conditions. Algorithms developed to predict the effect of sequence changes on RNA splicing suggest that this variant may disrupt the consensus splice site. In summary, the available evidence is currently insufficient to determine the role of this variant in disease. Therefore, it has been classified as a Variant of Uncertain Significance.